The following is an entry in ClinVar:

NM_022489.4(INF2):c.878C>T (p.Ser293Leu)

Gene: INF2 (inverted formin 2; plus strand). Cytogenetic location: 14q32.33.
Variant type: single nucleotide variant.
Coding change: c.878C>T on transcript NM_022489.4 (MANE Select); coding-DNA position 878, C replaced by T.
Protein change: p.Ser293Leu; replaces serine 293 with leucine.
Molecular consequence: missense variant.
Genome position (GRCh38, 1-based): chr14:104,706,944, C>T. VCF-style: chr14-104706944-C-T. GRCh37 (hg19) VCF-style: chr14-105173281-C-T.
Other names: c.878C>T, p.Ser293Leu (NM_001031714.4); short protein forms S293L.
Identifiers: ClinVar variation 2442522 (VCV002442522.5), dbSNP rs757277927, ClinGen allele CA7372455.

ClinVar aggregate classification (germline): Uncertain significance. Review status: criteria provided, multiple submitters, no conflicts (2 of 4 stars). 3 submissions from 3 submitters: Uncertain significance (3). Last evaluated 2025-06-12.

Conditions:
Focal segmental glomerulosclerosis 5 (FSGS5). Identifiers: Orphanet 656, MedGen C2750475, MONDO:0013191, OMIM 613237.
Charcot-Marie-Tooth disease dominant intermediate E. Also called: CHARCOT-MARIE-TOOTH NEUROPATHY WITH FOCAL SEGMENTAL GLOMERULONEPHRITIS. Identifiers: Orphanet 93114, MedGen C4302667, MONDO:0013758, OMIM 614455.

Allele frequency attached by ClinVar (database versions not stated): gnomAD exomes below 0.00001; gnomAD 0.00001; TOPMed 0.00001; ExAC 0.00004.
gnomAD v4.1: 6 of 1,603,398 alleles (0.00037%); highest among the groups gnomAD compares: Admixed American, 0.005%; no homozygotes.

Submissions (3):

Labcorp Genetics (formerly Invitae), Labcorp
Classification: Uncertain significance for Charcot-Marie-Tooth disease dominant intermediate E; Focal segmental glomerulosclerosis 5. Last evaluated: 2025-06-12. Review status: criteria provided, single submitter. Criteria: Invitae Variant Classification Sherloc (09022015). Collection method: clinical testing. Allele origin: germline.
Comment: This sequence change replaces serine, which is neutral and polar, with leucine, which is neutral and non-polar, at codon 293 of the INF2 protein (p.Ser293Leu). The frequency data for this variant in the population databases is considered unreliable, as metrics indicate poor data quality at this position in the gnomAD database. This variant has not been reported in the literature in individuals affected with INF2-related conditions. ClinVar contains an entry for this variant (Variation ID: 2442522). Invitae Evidence Modeling of protein sequence and biophysical properties (such as structural, functional, and spatial information, amino acid conservation, physicochemical variation, residue mobility, and thermodynamic stability) indicates that this missense variant is expected to disrupt INF2 protein function with a positive predictive value of 80%. In summary, the available evidence is currently insufficient to determine the role of this variant in disease. Therefore, it has been classified as a Variant of Uncertain Significance.

Fulgent Genetics
Classification: Uncertain significance for Focal segmental glomerulosclerosis 5; Charcot-Marie-Tooth disease dominant intermediate E. Last evaluated: 2024-03-24. Review status: criteria provided, single submitter. Criteria: ACMG Guidelines, 2015. Collection method: clinical testing. Allele origin: germline.

GeneDx
Classification: Uncertain significance. Last evaluated: 2022-08-30. Review status: criteria provided, single submitter. Criteria: GeneDx Variant Classification Process June 2021. Collection method: clinical testing. Allele origin: germline. Affected: yes.
Comment: In silico analysis supports that this missense variant has a deleterious effect on protein structure/function; Has not been previously published as pathogenic or benign to our knowledge